The following is an entry in ClinVar:

NM_000542.5(SFTPB):c.843C>T (p.Asp281=)

Gene: SFTPB (surfactant protein B; minus strand). Cytogenetic location: 2p11.2.
Variant type: single nucleotide variant.
Coding change: c.843C>T on transcript NM_000542.5 (MANE Select); coding-DNA position 843, C replaced by T.
Protein change: p.Asp281=; no amino-acid change (aspartic acid 281 retained).
Molecular consequence: synonymous variant.
Genome position (GRCh38, 1-based): chr2:85,663,677, G>A on the plus strand (C>T on the coding strand, the complement: SFTPB is on the minus strand). VCF-style: chr2-85663677-G-A. GRCh37 (hg19) VCF-style: chr2-85890800-G-A.
Other names: c.843C>T, p.Asp281= (NM_001367281.2, NM_198843.4).
Identifiers: ClinVar variation 165202 (VCV000165202.23), dbSNP rs3024810, ClinGen allele CA177936.
Genomic context (GRCh38, chr2:85,663,677, plus strand): 5'-GGAGGAGGAGAGCAGGCATTGGGCTAAGGAGTGGGCAGTGGGCTCACTTGGGCCAGCGCT[G>A]TCATCCATGGAGCACCGGAGGACGAGGCGGCAGACCAGCTGGGGCAGCATGCGGCCCAGC-3'
Protein context (NP_000533.4, residues 271-291): CRLVLRCSMD[Asp281=]SAGPRSPTGE

ClinVar aggregate classification (germline): Benign. Review status: criteria provided, multiple submitters, no conflicts (2 of 4 stars). 7 submissions from 7 submitters: Benign (7). Last evaluated 2026-01-23.

Conditions:
Hereditary pulmonary alveolar proteinosis. Also called: Pulmonary surfactant metabolism dysfunction. Identifiers: Orphanet 264675, MedGen C3711368, MONDO:0012580.
Surfactant metabolism dysfunction, pulmonary, 1. Also called: INTERSTITIAL LUNG DISEASE DUE TO SURFACTANT PROTEIN B DEFICIENCY; INTERSTITIAL LUNG DISEASE, NONSPECIFIC, DUE TO SURFACTANT PROTEIN B DEFICIENCY; PULMONARY ALVEOLAR PROTEINOSIS, CONGENITAL, 1; Pulmonary surfactant protein B, deficiency of; Neonatal acute respiratory distress due to SP-B deficiency. Identifiers: Orphanet 217563, MedGen C1968602, MONDO:0009929, OMIM 265120.

Allele frequency attached by ClinVar (database versions not stated): gnomAD exomes 0.00692 and 0.01855; ExAC 0.02536; gnomAD 0.07008 and 0.07523; ESP Exome Variant Server 0.07924; TOPMed 0.07953; 1000 Genomes Project 0.08047; 1000 Genomes Project 30x 0.08557.
gnomAD v4.1: 21,188 of 1,612,084 alleles (1.3%); highest among the groups gnomAD compares: African/African-American, 24%; 2,300 homozygotes.

Submissions (7):

Labcorp Genetics (formerly Invitae), Labcorp
Classification: Benign. Last evaluated: 2026-01-23. Review status: criteria provided, single submitter. Criteria: Invitae Variant Classification Sherloc (09022015). Collection method: clinical testing. Allele origin: germline.

Blueprint Genetics
Classification: Benign. Last evaluated: 2024-11-26. Review status: criteria provided, single submitter. Criteria: ACMG Guidelines, 2015. Collection method: clinical testing. Allele origin: germline.

GeneDx
Classification: Benign. Last evaluated: 2019-02-21. Review status: criteria provided, single submitter. Criteria: GeneDx Variant Classification Process June 2021. Collection method: clinical testing. Allele origin: germline. Affected: yes.

Illumina Laboratory Services, Illumina
Classification: Benign for Surfactant metabolism dysfunction, pulmonary, 1. Last evaluated: 2018-01-13. Review status: criteria provided, single submitter. Criteria: ICSL Variant Classification Criteria 13 December 2019. Collection method: clinical testing. Allele origin: germline.
Comment: This variant was observed in the ICSL laboratory as part of a predisposition screen in an ostensibly healthy population. It had not been previously curated by ICSL or reported in the Human Gene Mutation Database (HGMD: prior to June 1st, 2018), and was therefore a candidate for classification through an automated scoring system. Utilizing variant allele frequency, disease prevalence and penetrance estimates, and inheritance mode, an automated score was calculated to assess if this variant is too frequent to cause the disease. Based on the score and internal cut-off values, a variant classified as benign is not then subjected to further curation. The score for this variant resulted in a classification of benign for this disease.

Ambry Genetics
Classification: Benign for Hereditary pulmonary alveolar proteinosis. Last evaluated: 2016-07-08. Review status: criteria provided, single submitter. Criteria: Ambry Variant Classification Scheme 2023. Collection method: clinical testing. Allele origin: germline.

Laboratory for Molecular Medicine, Mass General Brigham Personalized Medicine
Classification: Benign. Last evaluated: 2013-02-21. Review status: criteria provided, single submitter. Criteria: LMM Criteria. Collection method: clinical testing. Allele origin: germline. Observed: 9 variant alleles.
Comment: Asp293Asp in exon 8 of SFTPB: This variant is not expected to have clinical sign ificance because it does not alter an amino acid residue and is not located with in the splice consensus sequence. It has been identified in 23.2% (1022/4400) of African American chromosomes from a broad population by the NHLBI Exome Sequenc ing Project (dbSNP rs3024810).

Breakthrough Genomics
Classification: Benign. Review status: criteria provided, single submitter. Criteria: ACMG Guidelines, 2015. Collection method: not provided. Allele origin: germline. Inheritance: Autosomal recessive inheritance. Affected: yes.